The following is an entry in ClinVar:

NM_012470.4(TNPO3):c.368del (p.Lys123fs)

Gene: TNPO3 (transportin 3; minus strand). Cytogenetic location: 7q32.1.
Variant type: Deletion.
Coding change: c.368del on transcript NM_012470.4 (MANE Select); coding-DNA position 368, one base deleted (A; older notation c.368delA).
Protein change: p.Lys123fs; shifts the reading frame from lysine 123.
Molecular consequence: frameshift variant. On other transcripts: non-coding transcript variant (18).
Genome position (GRCh38, 1-based): chr7:129,017,010, T deleted on the plus strand (A on the coding strand, the reverse complement: TNPO3 is on the minus strand); the first of 2 consecutive T bases (chr7:129,017,010-129,017,011); deleting either gives the same sequence. VCF-style (leftmost placement, unchanged base first): chr7-129017009-CT-C. GRCh37 (hg19) VCF-style: chr7-128657063-CT-C.
Other names: c.368del, p.Lys123fs (NM_001191028.3, NM_001382216.1, NM_001382217.1 and 6 more transcripts); short protein forms K123fs.
Identifiers: ClinVar variation 1381334 (VCV001381334.6), dbSNP rs2150433570, ClinGen allele CA2573141734.

ClinVar aggregate classification (germline): Uncertain significance (1 of 4 stars; one submission).

Conditions:
Autosomal dominant limb-girdle muscular dystrophy type 1F (LGMDD2). Also called: MUSCULAR DYSTROPHY, LIMB-GIRDLE, AUTOSOMAL DOMINANT 2; Limb-girdle muscular dystrophy, type 1F. Identifiers: Orphanet 55595, MedGen C1842062, MONDO:0012034, OMIM 608423.

Submission:

Labcorp Genetics (formerly Invitae), Labcorp
Classification: Uncertain significance for Autosomal dominant limb-girdle muscular dystrophy type 1F. Last evaluated: 2022-07-12. Review status: criteria provided, single submitter. Criteria: Invitae Variant Classification Sherloc (09022015). Collection method: clinical testing. Allele origin: germline.
Comment: In summary, the available evidence is currently insufficient to determine the role of this variant in disease. Therefore, it has been classified as a Variant of Uncertain Significance. ClinVar contains an entry for this variant (Variation ID: 1381334). This variant has not been reported in the literature in individuals affected with TNPO3-related conditions. This variant is not present in population databases (gnomAD no frequency). This sequence change creates a premature translational stop signal (p.Lys123Argfs*15) in the TNPO3 gene. It is expected to result in an absent or disrupted protein product. However, the current clinical and genetic evidence is not sufficient to establish whether loss-of-function variants in TNPO3 cause disease.